The following is an entry in ClinVar:

ClinVar aggregate classification (germline): Conflicting classifications of pathogenicity. Review status: criteria provided, conflicting classifications (1 of 4 stars). 6 submissions from 5 submitters: Uncertain significance (5); Benign (1). Last evaluated 2025-10-01.

Conditions:
NOTCH1-related disorder. Also called: NOTCH1-related condition; NOTCH1-related disorders.
Adams-Oliver syndrome 5 (AOS5). Identifiers: Orphanet 974, MedGen C4014970, MONDO:0014459, OMIM 616028.
Familial thoracic aortic aneurysm and aortic dissection (TAAD). Also called: Thoracic aortic aneurysms and dissections. Identifiers: Orphanet 91387, MedGen C4707243, MONDO:0019625.
Aortic valve disease 1 (AOVD1). Identifiers: MedGen C3887892, MONDO:0024523, OMIM 109730.

Allele frequency attached by ClinVar (database versions not stated): ExAC 0.00001; gnomAD 0.00001; gnomAD exomes 0.00002; TOPMed 0.00002.
gnomAD v4.1: 38 of 1,599,758 alleles (0.0024%); highest among the groups gnomAD compares: Admixed American, 0.0068%; no homozygotes.

Submissions (6):

Labcorp Genetics (formerly Invitae), Labcorp
Classification: Benign for Adams-Oliver syndrome 5. Last evaluated: 2025-10-01. Review status: criteria provided, single submitter. Criteria: Invitae Variant Classification Sherloc (09022015). Collection method: clinical testing. Allele origin: germline.

PreventionGenetics, part of Exact Sciences
Classification: Uncertain significance for NOTCH1-related condition. Last evaluated: 2025-06-25. Review status: criteria provided, single submitter. Criteria: ACMG Guidelines, 2015. Collection method: clinical testing. Allele origin: germline.
Comment: The NOTCH1 c.1750G>A variant is predicted to result in the amino acid substitution p.Val584Ile. To our knowledge, this variant has not been reported in the literature. This variant is reported in 0.0090% of alleles in individuals of Latino descent in gnomAD. At this time, the clinical significance of this variant is uncertain due to the absence of conclusive functional and genetic evidence.

Ambry Genetics
Classification: Uncertain significance for Familial thoracic aortic aneurysm and aortic dissection. Last evaluated: 2025-03-02. Review status: criteria provided, single submitter. Criteria: Ambry Variant Classification Scheme 2023. Collection method: clinical testing. Allele origin: germline.
Comment: The p.V584I variant (also known as c.1750G>A), located in coding exon 11 of the NOTCH1 gene, results from a G to A substitution at nucleotide position 1750. The valine at codon 584 is replaced by isoleucine, an amino acid with highly similar properties. This amino acid position is poorly conserved in available vertebrate species. In addition, this alteration is predicted to be tolerated by in silico analysis. Since supporting evidence is limited at this time, the clinical significance of this alteration remains unclear.

GeneDx
Classification: Uncertain significance. Last evaluated: 2022-06-29. Review status: criteria provided, single submitter. Criteria: GeneDx Variant Classification Process June 2021. Collection method: clinical testing. Allele origin: germline. Affected: yes.
Comment: Has not been previously published as pathogenic or benign to our knowledge; Not observed at significant frequency in large population cohorts (gnomAD); In silico analysis supports that this missense variant does not alter protein structure/function

Genome-Nilou Lab
Classification: Uncertain significance for Adams-Oliver syndrome 5. Last evaluated: 2022-03-15. Review status: criteria provided, single submitter. Criteria: ACMG Guidelines, 2015. Collection method: clinical testing. Allele origin: germline. Affected: no.

Genome-Nilou Lab
Classification: Uncertain significance for Aortic valve disease 1. Last evaluated: 2022-03-15. Review status: criteria provided, single submitter. Criteria: ACMG Guidelines, 2015. Collection method: clinical testing. Allele origin: germline. Affected: no.

NM_017617.5(NOTCH1):c.1750G>A (p.Val584Ile)

Gene: NOTCH1 (notch receptor 1; minus strand). Cytogenetic location: 9q34.3.
Variant type: single nucleotide variant.
Coding change: c.1750G>A on transcript NM_017617.5 (MANE Select); coding-DNA position 1750, G replaced by A.
Protein change: p.Val584Ile; replaces valine 584 with isoleucine.
Molecular consequence: missense variant.
Genome position (GRCh38, 1-based): chr9:136,515,636, C>T on the plus strand (G>A on the coding strand, the complement: NOTCH1 is on the minus strand). VCF-style: chr9-136515636-C-T. GRCh37 (hg19) VCF-style: chr9-139410088-C-T.
Other names: c.1750G>A (NM_017617.4); short protein forms V584I.
Identifiers: ClinVar variation 1045132 (VCV001045132.17), dbSNP rs763886355, ClinGen allele CA5341638.
Genomic context (GRCh38, chr9:136,515,636, plus strand): 5'-TGTTGGTCTCGCAGTGGTGGCCCGTGTAGCCTGGGCGGCAGAGGCAGGTGAAGGTGGCGA[C>T]GCCGTCCTTGCAGGAGCCGTAGTGGCAGGGGTCGGGGTCGCACTCATCGATGTCCACCTC-3'
Protein context (NP_060087.3, residues 574-594): PCHYGSCKDG[Val584Ile]ATFTCLCRPG